The following is an entry in ClinVar:

ClinVar aggregate classification (germline): Uncertain significance. Review status: criteria provided, multiple submitters, no conflicts (2 of 4 stars). 2 submissions from 2 submitters: Uncertain significance (2). Last evaluated 2025-04-30.

gnomAD v4.1: 37 of 1,613,832 alleles (0.0023%); highest among the groups gnomAD compares: Non-Finnish European, 0.0029%; no homozygotes.

Submissions (2):

Labcorp Genetics (formerly Invitae), Labcorp
Classification: Uncertain significance. Last evaluated: 2025-04-30. Review status: criteria provided, single submitter. Criteria: Invitae Variant Classification Sherloc (09022015). Collection method: clinical testing. Allele origin: germline.
Comment: This sequence change replaces glycine, which is neutral and non-polar, with alanine, which is neutral and non-polar, at codon 583 of the PLG protein (p.Gly583Ala). This variant is present in population databases (rs551058645, gnomAD 0.003%). This variant has not been reported in the literature in individuals affected with PLG-related conditions. ClinVar contains an entry for this variant (Variation ID: 2682965). Invitae Evidence Modeling of protein sequence and biophysical properties (such as structural, functional, and spatial information, amino acid conservation, physicochemical variation, residue mobility, and thermodynamic stability) indicates that this missense variant is not expected to disrupt PLG protein function with a negative predictive value of 80%. In summary, the available evidence is currently insufficient to determine the role of this variant in disease. Therefore, it has been classified as a Variant of Uncertain Significance.

Mayo Clinic Laboratories, Mayo Clinic
Classification: Uncertain significance. Last evaluated: 2022-02-22. Review status: criteria provided, single submitter. Criteria: ACMG Guidelines, 2015. Collection method: clinical testing. Allele origin: germline. Observed: 1 variant allele.

NM_000301.5(PLG):c.1748G>C (p.Gly583Ala)

Gene: PLG (plasminogen; plus strand). Cytogenetic location: 6q26.
Variant type: single nucleotide variant.
Coding change: c.1748G>C on transcript NM_000301.5 (MANE Select); coding-DNA position 1748, G replaced by C.
Protein change: p.Gly583Ala; replaces glycine 583 with alanine.
Molecular consequence: missense variant.
Genome position (GRCh38, 1-based): chr6:160,736,953, G>C. VCF-style: chr6-160736953-G-C. GRCh37 (hg19) VCF-style: chr6-161157985-G-C.
Other names: p.Gly583Ala; short protein forms G583A.
Identifiers: ClinVar variation 2682965 (VCV002682965.3), dbSNP rs551058645, ClinGen allele CA4087874.
Genomic context (GRCh38, chr6:160,736,953, plus strand): 5'-CTTCATTTGATTGTGGGAAGCCTCAAGTGGAGCCGAAGAAATGTCCTGGAAGGGTTGTAG[G>C]GGGGTGTGTGGCCCACCCACATTCCTGGCCCTGGCAAGTCAGTCTTAGAACAAGGTAAGA-3'
Protein context (NP_000292.1, residues 573-593): EPKKCPGRVV[Gly583Ala]GCVAHPHSWP